The following is an entry in ClinVar:

ClinVar aggregate classification (germline): Uncertain significance (1 of 4 stars; one submission).

Conditions:
Familial cold autoinflammatory syndrome 4 (FCAS4). Identifiers: Orphanet 47045, Orphanet 576349, MedGen C4015276, MONDO:0014498, OMIM 616115.
Periodic fever-infantile enterocolitis-autoinflammatory syndrome. Also called: Autoinflammation with infantile enterocolitis. Identifiers: Orphanet 436166, MedGen C4015067, MONDO:0014472, OMIM 616050.

Allele frequency attached by ClinVar (database versions not stated): gnomAD exomes below 0.00001.
gnomAD v4.1: 1 of 1,614,176 alleles (0.000062%); highest among the groups gnomAD compares: South Asian, 0.0011%; no homozygotes.

Submission:

Labcorp Genetics (formerly Invitae), Labcorp
Classification: Uncertain significance for Autoinflammation with infantile enterocolitis; Familial cold autoinflammatory syndrome 4. Last evaluated: 2019-12-31. Review status: criteria provided, single submitter. Criteria: Invitae Variant Classification Sherloc (09022015). Collection method: clinical testing. Allele origin: germline.
Comment: This sequence change replaces lysine with arginine at codon 405 of the NLRC4 protein (p.Lys405Arg). The lysine residue is moderately conserved and there is a small physicochemical difference between lysine and arginine. This variant is not present in population databases (ExAC no frequency). This variant has not been reported in the literature in individuals with NLRC4-related conditions. Algorithms developed to predict the effect of missense changes on protein structure and function output the following: SIFT: "Tolerated"; PolyPhen-2: "Benign"; Align-GVGD: "Class C0". The arginine amino acid residue is found in multiple mammalian species, suggesting that this missense change does not adversely affect protein function. These predictions have not been confirmed by published functional studies and their clinical significance is uncertain. Algorithms developed to predict the effect of sequence changes on RNA splicing suggest that this variant may create or strengthen a splice site, but this prediction has not been confirmed by published transcriptional studies. In summary, the available evidence is currently insufficient to determine the role of this variant in disease. Therefore, it has been classified as a Variant of Uncertain Significance.

NM_001199138.2(NLRC4):c.1214A>G (p.Lys405Arg)

Gene: NLRC4 (NLR family CARD domain containing 4; minus strand). Cytogenetic location: 2p22.3.
Variant type: single nucleotide variant.
Coding change: c.1214A>G on transcript NM_001199138.2 (MANE Select); coding-DNA position 1214, A replaced by G.
Protein change: p.Lys405Arg; replaces lysine 405 with arginine.
Molecular consequence: missense variant. On other transcripts: intron variant (1).
Genome position (GRCh38, 1-based): chr2:32,250,650, T>C on the plus strand (A>G on the coding strand, the complement: NLRC4 is on the minus strand). VCF-style: chr2-32250650-T-C. GRCh37 (hg19) VCF-style: chr2-32475719-T-C.
Other names: c.1214A>G, p.Lys405Arg (NM_001199139.2, NM_021209.5); c.262+1769A>G (NM_001302504.1); short protein forms K405R.
Identifiers: ClinVar variation 860764 (VCV000860764.1), dbSNP rs1687051722, ClinGen allele CA346513147.